The following is an entry in ClinVar:

ClinVar aggregate classification (germline): Likely benign. Review status: criteria provided, multiple submitters, no conflicts (2 of 4 stars). 2 submissions from 2 submitters: Likely benign (2). Last evaluated 2025-12-15.

Conditions:
GRK1-related disorder. Also called: GRK1-related condition.

gnomAD v4.1: 416 of 1,607,260 alleles (0.026%); highest among the groups gnomAD compares: African/African-American, 0.48%; 7 homozygotes.

Submissions (2):

PreventionGenetics, part of Exact Sciences
Classification: Likely benign for GRK1-related condition. Last evaluated: 2025-12-15. Review status: criteria provided, single submitter. Criteria: ACMG Guidelines, 2015. Collection method: clinical testing. Allele origin: germline.
Comment: This variant is classified as likely benign based on ACMG/AMP sequence variant interpretation guidelines (Richards et al. 2015 PMID: 25741868, with internal and published modifications).

Blueprint Genetics
Classification: Likely benign. Last evaluated: 2024-09-10. Review status: criteria provided, single submitter. Criteria: ACMG Guidelines, 2015. Collection method: clinical testing. Allele origin: germline.

NM_002929.3(GRK1):c.532A>C (p.Lys178Gln)

Gene: GRK1 (G protein-coupled receptor kinase 1; plus strand). Cytogenetic location: 13q34.
Variant type: single nucleotide variant.
Coding change: c.532A>C on transcript NM_002929.3 (MANE Select); coding-DNA position 532, A replaced by C.
Protein change: p.Lys178Gln; replaces lysine 178 with glutamine.
Molecular consequence: missense variant.
Genome position (GRCh38, 1-based): chr13:113,667,918, A>C. VCF-style: chr13-113667918-A-C. GRCh37 (hg19) VCF-style: chr13-114322233-A-C.
Other names: c.532A>C (NM_002929.2); short protein forms K178Q.
Identifiers: ClinVar variation 4920707 (VCV004920707.2).